The following is an entry in ClinVar:

NM_007375.4(TARDBP):c.720G>A (p.Ala240=)

Gene: TARDBP (TAR DNA binding protein; plus strand). Cytogenetic location: 1p36.22.
Variant type: single nucleotide variant.
Coding change: c.720G>A on transcript NM_007375.4 (MANE Select); coding-DNA position 720, G replaced by A.
Protein change: p.Ala240=; no amino-acid change (alanine 240 retained).
Molecular consequence: synonymous variant.
Genome position (GRCh38, 1-based): chr1:11,022,129, G>A. VCF-style: chr1-11022129-G-A. GRCh37 (hg19) VCF-style: chr1-11082186-G-A.
Identifiers: ClinVar variation 291739 (VCV000291739.31), dbSNP rs765175133, ClinGen allele CA586448.

ClinVar aggregate classification (germline): Likely benign. Review status: criteria provided, multiple submitters, no conflicts (2 of 4 stars). 3 submissions from 3 submitters: Likely benign (3). Last evaluated 2025-02-20.

Conditions:
FRONTOTEMPORAL LOBAR DEGENERATION WITH TDP43 INCLUSIONS, TARDBP-RELATED. Also called: Frontotemporal lobar degeneration, TARDBP-related. Identifiers: MedGen C3150169, OMIM 612069.
Amyotrophic lateral sclerosis type 10 (ALS10). Also called: AMYOTROPHIC LATERAL SCLEROSIS 10 WITHOUT FRONTOTEMPORAL DEMENTIA AND WITH TDP43 INCLUSIONS; AMYOTROPHIC LATERAL SCLEROSIS 10 WITH OR WITHOUT FRONTOTEMPORAL DEMENTIA AND WITH TDP43 INCLUSIONS; TARDBP-Related Amyotrophic Lateral Sclerosis-Frontotemporal Dementia; Amyotrophic lateral sclerosis 10, with or without FTD; AMYOTROPHIC LATERAL SCLEROSIS 10 WITH OR WITHOUT FRONTOTEMPORAL DEMENTIA. Identifiers: Orphanet 275872, Orphanet 803, MedGen C2677565, MONDO:0012790, OMIM 612069.

Allele frequency attached by ClinVar (database versions not stated): ExAC 0.00002; gnomAD 0.00004; TOPMed 0.00007.
gnomAD v4.1: 32 of 1,613,766 alleles (0.002%); highest among the groups gnomAD compares: African/African-American, 0.025%; no homozygotes.

Submissions (3):

Labcorp Genetics (formerly Invitae), Labcorp
Classification: Likely benign for Amyotrophic lateral sclerosis type 10; FRONTOTEMPORAL LOBAR DEGENERATION WITH TDP43 INCLUSIONS, TARDBP-RELATED. Last evaluated: 2025-02-20. Review status: criteria provided, single submitter. Criteria: Invitae Variant Classification Sherloc (09022015). Collection method: clinical testing. Allele origin: germline.

CeGaT Center for Human Genetics Tuebingen
Classification: Likely benign. Last evaluated: 2024-06-01. Review status: criteria provided, single submitter. Criteria: CeGaT Center For Human Genetics Tuebingen Variant Classification Criteria Version 2. Collection method: clinical testing. Allele origin: germline. Affected: yes. Observed: 1 variant allele.
Comment: TARDBP: BP4, BP7

Illumina Laboratory Services, Illumina
Classification: Likely benign for Amyotrophic lateral sclerosis type 10. Last evaluated: 2018-01-13. Review status: criteria provided, single submitter. Criteria: ICSL Variant Classification Criteria 13 December 2019. Collection method: clinical testing. Allele origin: germline.
Comment: This variant was observed in the ICSL laboratory as part of a predisposition screen in an ostensibly healthy population. It had not been previously curated by ICSL or reported in the Human Gene Mutation Database (HGMD: prior to June 1st, 2018), and was therefore a candidate for classification through an automated scoring system. Utilizing variant allele frequency, disease prevalence and penetrance estimates, and inheritance mode, an automated score was calculated to assess if this variant is too frequent to cause the disease. Based on the score and internal cut-off values, a variant classified as likely benign is not then subjected to further curation. The score for this variant resulted in a classification of likely benign for this disease.